The following is an entry in ClinVar:

ClinVar aggregate classification (germline): Likely pathogenic (1 of 4 stars; one submission).

gnomAD v4.1: 1 of 1,543,174 alleles (0.000065%); highest among the groups gnomAD compares: East Asian, 0.0023%; no homozygotes.

Submission:

Labcorp Genetics (formerly Invitae), Labcorp
Classification: Likely pathogenic. Last evaluated: 2024-10-06. Review status: criteria provided, single submitter. Criteria: Invitae Variant Classification Sherloc (09022015). Collection method: clinical testing. Allele origin: germline.
Comment: This sequence change affects an acceptor splice site in intron 10 of the TBCK gene. It is expected to disrupt RNA splicing. Variants that disrupt the donor or acceptor splice site typically lead to a loss of protein function (PMID: 16199547), and loss-of-function variants in TBCK are known to be pathogenic (PMID: 27040692, 30103036). This variant is not present in population databases (gnomAD no frequency). This variant has not been reported in the literature in individuals affected with TBCK-related conditions. Algorithms developed to predict the effect of sequence changes on RNA splicing suggest that this variant may disrupt the consensus splice site. In summary, the currently available evidence indicates that the variant is pathogenic, but additional data are needed to prove that conclusively. Therefore, this variant has been classified as Likely Pathogenic.

Literature cited by the submitters: PubMed 16199547; PubMed 27040692; PubMed 30103036.

NM_001163435.3(TBCK):c.932-2A>C

Gene: TBCK (TBC1 domain containing kinase; minus strand). Cytogenetic location: 4q24.
Variant type: single nucleotide variant.
Coding change: c.932-2A>C on transcript NM_001163435.3 (MANE Select); the canonical splice acceptor site of the intron before coding-DNA position 932, A replaced by C.
Molecular consequence: splice acceptor variant.
Genome position (GRCh38, 1-based): chr4:106,244,766, T>G on the plus strand (A>C on the coding strand, the complement: TBCK is on the minus strand). VCF-style: chr4-106244766-T-G. GRCh37 (hg19) VCF-style: chr4-107165923-T-G.
Other names: c.932-2A>C (NM_001163436.4); c.743-2A>C (NM_033115.5); c.815-2A>C (NM_001163437.3); c.416-2A>C (NM_001290768.2).
Identifiers: ClinVar variation 3722311 (VCV003722311.2).